The following is an entry in ClinVar:

ClinVar aggregate classification (germline): Uncertain significance (1 of 4 stars; one submission).

Conditions:
Spastic paraplegia. Identifiers: MedGen C0037772, HP:0001258.
Combined oxidative phosphorylation defect type 7. Identifiers: Orphanet 254930, MedGen C3150801, MONDO:0013306, OMIM 613559.

Allele frequency attached by ClinVar (database versions not stated): gnomAD exomes 0.00001 and 0.00002; ExAC 0.00003; gnomAD 0.00009 and 0.00010; TOPMed 0.00011; ESP Exome Variant Server 0.00015.
gnomAD v4.1: 25 of 1,613,664 alleles (0.0015%); highest among the groups gnomAD compares: African/African-American, 0.028%; no homozygotes.

Submission:

Labcorp Genetics (formerly Invitae), Labcorp
Classification: Uncertain significance for Combined oxidative phosphorylation defect type 7; Spastic paraplegia. Last evaluated: 2025-01-14. Review status: criteria provided, single submitter. Criteria: Invitae Variant Classification Sherloc (09022015). Collection method: clinical testing. Allele origin: germline.
Comment: This sequence change replaces arginine, which is basic and polar, with glutamine, which is neutral and polar, at codon 109 of the C12orf65 protein (p.Arg109Gln). This variant is present in population databases (rs147098739, gnomAD 0.04%). This variant has not been reported in the literature in individuals affected with C12orf65-related conditions. ClinVar contains an entry for this variant (Variation ID: 662218). An algorithm developed to predict the effect of missense changes on protein structure and function (PolyPhen-2) suggests that this variant is likely to be disruptive. In summary, the available evidence is currently insufficient to determine the role of this variant in disease. Therefore, it has been classified as a Variant of Uncertain Significance.

NM_152269.5(MTRFR):c.326G>A (p.Arg109Gln)

Gene: MTRFR (mitochondrial translation release factor in rescue; plus strand). Cytogenetic location: 12q24.31.
Variant type: single nucleotide variant.
Coding change: c.326G>A on transcript NM_152269.5 (MANE Select); coding-DNA position 326, G replaced by A.
Protein change: p.Arg109Gln; replaces arginine 109 with glutamine.
Molecular consequence: missense variant.
Genome position (GRCh38, 1-based): chr12:123,256,856, G>A. VCF-style: chr12-123256856-G-A. GRCh37 (hg19) VCF-style: chr12-123741403-G-A.
Other names: c.326G>A, p.Arg109Gln (NM_001143905.2, NM_001194995.1); short protein forms R109Q.
Identifiers: ClinVar variation 662218 (VCV000662218.5), dbSNP rs147098739, ClinGen allele CA6856584.